The following is an entry in ClinVar:

ClinVar aggregate classification (germline): Conflicting classifications of pathogenicity. Review status: criteria provided, conflicting classifications (1 of 4 stars). 3 submissions from 3 submitters: Uncertain significance (2); Likely benign (1). Last evaluated 2019-07-13.

Conditions:
Autosomal recessive limb-girdle muscular dystrophy type 2J (LGMDR10). Also called: Limb-girdle muscular dystrophy, type 2J; MUSCULAR DYSTROPHY, LIMB-GIRDLE, AUTOSOMAL RECESSIVE 10. Identifiers: Orphanet 140922, MedGen C1837342, MONDO:0012127, OMIM 608807.
Dilated cardiomyopathy 1G (CMD1G). Identifiers: Orphanet 154, MedGen C1858763, MONDO:0011400, OMIM 604145.

Allele frequency attached by ClinVar (database versions not stated): gnomAD exomes 0.00001 and 0.00005; TOPMed 0.00001; ExAC 0.00002.
gnomAD v4.1: 16 of 1,613,462 alleles (0.00099%); highest among the groups gnomAD compares: Admixed American, 0.025%; no homozygotes.

Submissions (3):

Revvity Omics, Revvity
Classification: Uncertain significance. Last evaluated: 2019-07-13. Review status: criteria provided, single submitter. Criteria: ACMG Guidelines, 2015. Collection method: clinical testing. Allele origin: germline.

GeneDx
Classification: Likely benign. Last evaluated: 2018-05-29. Review status: criteria provided, single submitter. Criteria: GeneDx Variant Classification (06012015). Collection method: clinical testing. Allele origin: germline. Affected: yes.
Comment: This variant is considered likely benign or benign based on one or more of the following criteria: it is a conservative change, it occurs at a poorly conserved position in the protein, it is predicted to be benign by multiple in silico algorithms, and/or has population frequency not consistent with disease.

Labcorp Genetics (formerly Invitae), Labcorp
Classification: Uncertain significance for Dilated cardiomyopathy 1G; Autosomal recessive limb-girdle muscular dystrophy type 2J. Last evaluated: 2017-07-31. Review status: criteria provided, single submitter. Criteria: Invitae Variant Classification Sherloc (09022015). Collection method: clinical testing. Allele origin: germline.

NM_001267550.2(TTN):c.59074A>G (p.Thr19692Ala)

Genes: TTN-AS1 (TTN antisense RNA 1; plus strand), TTN (titin; minus strand). Cytogenetic location: 2q31.2.
Variant type: single nucleotide variant.
Coding change: c.59074A>G on transcript NM_001267550.2 (MANE Select); coding-DNA position 59074, A replaced by G.
Protein change: p.Thr19692Ala; replaces threonine 19692 with alanine.
Molecular consequence: missense variant.
Genome position (GRCh38, 1-based): chr2:178,593,045, T>C on the plus strand (A>G on the coding strand, the complement: TTN is on the minus strand). VCF-style: chr2-178593045-T-C. GRCh37 (hg19) VCF-style: chr2-179457772-T-C.
Other names: c.54151A>G, p.Thr18051Ala (NM_001256850.1); c.31879A>G, p.Thr10627Ala (NM_003319.4); c.51370A>G, p.Thr17124Ala (NM_133378.4); c.32254A>G, p.Thr10752Ala (NM_133432.3); c.32455A>G, p.Thr10819Ala (NM_133437.4); short protein forms T19692A, T10627A, T10752A, T10819A, T18051A, T17124A.
Identifiers: ClinVar variation 467322 (VCV000467322.7), dbSNP rs771977738, ClinGen allele CA1992720.